The following is an entry in ClinVar:

NM_003480.4(MFAP5):c.76del (p.Val26fs)

Gene: MFAP5 (microfibril associated protein 5; minus strand). Cytogenetic location: 12p13.31.
Variant type: Deletion.
Coding change: c.76del on transcript NM_003480.4 (MANE Select); coding-DNA position 76, one base deleted (G; older notation c.76delG).
Protein change: p.Val26fs; shifts the reading frame from valine 26.
Molecular consequence: frameshift variant. On other transcripts: non-coding transcript variant (2), intron variant (1).
Genome position (GRCh38, 1-based): chr12:8,660,881, C deleted on the plus strand (G on the coding strand, the reverse complement: MFAP5 is on the minus strand); the first of 5 consecutive C bases (chr12:8,660,881-8,660,885); deleting any one gives the same sequence. VCF-style (leftmost placement, unchanged base first): chr12-8660880-AC-A. GRCh37 (hg19) VCF-style: chr12-8813476-AC-A.
Other names: c.76del, p.Val26fs (NM_001297709.2, NM_001297711.2, NM_001297712.2); c.58+1166del (NM_001297710.2); short protein forms V26fs.
Identifiers: ClinVar variation 3019184 (VCV003019184.4), dbSNP rs976326448, ClinGen allele CA232307075.

ClinVar aggregate classification (germline): Uncertain significance. Review status: criteria provided, multiple submitters, no conflicts (2 of 4 stars). 2 submissions from 2 submitters: Uncertain significance (2). Last evaluated 2024-04-18.

Submissions (2):

Blueprint Genetics
Classification: Uncertain significance. Last evaluated: 2024-04-18. Review status: criteria provided, single submitter. Criteria: ACMG Guidelines, 2015. Collection method: clinical testing. Allele origin: germline.

Labcorp Genetics (formerly Invitae), Labcorp
Classification: Uncertain significance. Last evaluated: 2024-02-27. Review status: criteria provided, single submitter. Criteria: Invitae Variant Classification Sherloc (09022015). Collection method: clinical testing. Allele origin: germline.
Comment: This sequence change creates a premature translational stop signal (p.Val26Serfs*9) in the MFAP5 gene. It is expected to result in an absent or disrupted protein product. However, the current clinical and genetic evidence is not sufficient to establish whether loss-of-function variants in MFAP5 cause disease. The frequency data for this variant in the population databases is considered unreliable, as metrics indicate poor data quality at this position in the gnomAD database. This variant has not been reported in the literature in individuals affected with MFAP5-related conditions. In summary, the available evidence is currently insufficient to determine the role of this variant in disease. Therefore, it has been classified as a Variant of Uncertain Significance.